The following is an entry in ClinVar:

NM_001103.4(ACTN2):c.18C>A (p.Pro6=)

Gene: ACTN2 (actinin alpha 2; plus strand). Cytogenetic location: 1q43.
Variant type: single nucleotide variant.
Coding change: c.18C>A on transcript NM_001103.4 (MANE Select); coding-DNA position 18, C replaced by A.
Protein change: p.Pro6=; no amino-acid change (proline 6 retained).
Molecular consequence: synonymous variant. On other transcripts: 5 prime UTR variant (1).
Genome position (GRCh38, 1-based): chr1:236,686,691, C>A. VCF-style: chr1-236686691-C-A. GRCh37 (hg19) VCF-style: chr1-236849991-C-A.
Other names: c.18C>A, p.Pro6= (NM_001278343.2); c.-804C>A (NM_001278344.2).
Identifiers: ClinVar variation 162724 (VCV000162724.28), dbSNP rs368367224, ClinGen allele CA175225.
Genomic context (GRCh38, chr1:236,686,691, plus strand): 5'-CGAGCCCCTCGCGCCCCGCCGCAGCCCCGGCCAACCGAGCGCCATGAACCAGATAGAGCC[C>A]GGCGTGCAGTACAACTACGTGTACGACGAGGATGAGTACATGATCCAGGAGGAGGAGTGG-3'
Protein context (NP_001094.1, residues 1-16): MNQIE[Pro6=]GVQYNYVYDE

ClinVar aggregate classification (germline): Benign/Likely benign. Review status: criteria provided, multiple submitters, no conflicts (2 of 4 stars). 9 submissions from 9 submitters: Benign (4); Likely benign (4). 1 of the submissions does not count toward it. Last evaluated 2026-08-01.

Conditions:
ACTN2-related disorder. Also called: ACTN2-related disorders; ACTN2 related condition.
Cardiovascular phenotype. Identifiers: MedGen CN230736.
Primary familial hypertrophic cardiomyopathy (HCM). Identifiers: Orphanet 99739, MedGen C0949658, MeSH D024741, MONDO:0024573. Inheritance: Various modes of inheritance.
Dilated cardiomyopathy 1AA (CMD1AA). Also called: CARDIOMYOPATHY, DILATED, 1AA, WITH OR WITHOUT LEFT VENTRICULAR NONCOMPACTION; CARDIOMYOPATHY, FAMILIAL HYPERTROPHIC, 23, WITH OR WITHOUT LEFT VENTRICULAR NONCOMPACTION; Cardiomyopathy, dilated, 1AA, with or without LVNC. Identifiers: Orphanet 154, MedGen C2677338, MONDO:0012808, OMIM 612158.

Allele frequency attached by ClinVar (database versions not stated): TOPMed 0.00001; 1000 Genomes Project 0.00260; 1000 Genomes Project 30x 0.00265.
gnomAD v4.1: 444 of 1,564,076 alleles (0.028%); highest among the groups gnomAD compares: South Asian, 0.49%; 8 homozygotes.

Submissions (9):

CeGaT Center for Human Genetics Tuebingen
Classification: Likely benign. Last evaluated: 2026-08-01. Review status: criteria provided, single submitter. Criteria: CeGaT Center For Human Genetics Tuebingen Variant Classification Criteria Version 2. Collection method: clinical testing. Allele origin: germline. Affected: yes. Observed: 1 variant allele.
Comment: ACTN2: BP4, BP7, BS1

Labcorp Genetics (formerly Invitae), Labcorp
Classification: Benign for Primary familial hypertrophic cardiomyopathy; Dilated cardiomyopathy 1AA. Last evaluated: 2025-12-15. Review status: criteria provided, single submitter. Criteria: Invitae Variant Classification Sherloc (09022015). Collection method: clinical testing. Allele origin: germline.

Molecular Diagnostic Laboratory for Inherited Cardiovascular Disease, Montreal Heart Institute
Classification: Benign. Last evaluated: 2025-04-09. Review status: criteria provided, single submitter. Criteria: ACMG Guidelines, 2015. Collection method: clinical testing. Allele origin: germline. Affected: no.

Blueprint Genetics
Classification: Likely benign. Last evaluated: 2024-08-13. Review status: criteria provided, single submitter. Criteria: ACMG Guidelines, 2015. Collection method: clinical testing. Allele origin: germline.

Women's Health and Genetics/Laboratory Corporation of America, LabCorp
Classification: Benign. Last evaluated: 2020-11-14. Review status: criteria provided, single submitter. Criteria: LabCorp Variant Classification Summary - May 2015. Collection method: clinical testing. Allele origin: germline.

GeneDx
Classification: Benign. Last evaluated: 2015-07-29. Review status: criteria provided, single submitter. Criteria: GeneDx Variant Classification (06012015). Collection method: clinical testing. Allele origin: germline. Affected: yes.
Comment: This variant is considered likely benign or benign based on one or more of the following criteria: it is a conservative change, it occurs at a poorly conserved position in the protein, it is predicted to be benign by multiple in silico algorithms, and/or has population frequency not consistent with disease.

Ambry Genetics
Classification: Likely benign for Cardiovascular phenotype. Last evaluated: 2015-07-15. Review status: criteria provided, single submitter. Criteria: Ambry Variant Classification Scheme 2023. Collection method: clinical testing. Allele origin: germline.

Laboratory for Molecular Medicine, Mass General Brigham Personalized Medicine
Classification: Likely benign. Last evaluated: 2014-08-27. Review status: criteria provided, single submitter. Criteria: LMM Criteria. Collection method: clinical testing. Allele origin: germline. Observed: 1 variant allele.
Comment: Pro6Pro in exon 1 of ACTN2: This variant is not expected to have clinical signif icance because it does not alter an amino acid residue and is not located within the splice consensus sequence.

PreventionGenetics, part of Exact Sciences
Classification: Likely benign for ACTN2-related condition. Last evaluated: 2023-12-24. Review status: no assertion criteria provided. Collection method: clinical testing. Allele origin: germline. Not counted in ClinVar's aggregate classification.
Comment: This variant is classified as likely benign based on ACMG/AMP sequence variant interpretation guidelines (Richards et al. 2015 PMID: 25741868, with internal and published modifications).